The following is an entry in ClinVar:

ClinVar aggregate classification (germline): Uncertain significance (1 of 4 stars; one submission).

Conditions:
Inborn genetic diseases. Identifiers: MedGen C0950123, MeSH D030342.

gnomAD v4.1: 6 of 1,613,954 alleles (0.00037%); highest among the groups gnomAD compares: Non-Finnish European, 0.00051%; no homozygotes.

Submission:

Ambry Genetics
Classification: Uncertain significance for Inborn genetic diseases. Last evaluated: 2025-01-19. Review status: criteria provided, single submitter. Criteria: Ambry Variant Classification Scheme 2023. Collection method: clinical testing. Allele origin: germline.
Comment: The p.L866P variant (also known as c.2597T>C), located in coding exon 20 of the BUB1B gene, results from a T to C substitution at nucleotide position 2597. The leucine at codon 866 is replaced by proline, an amino acid with similar properties. This amino acid position is conserved. In addition, this alteration is predicted to be deleterious by in silico analysis. Based on the available evidence, the clinical significance of this variant remains unclear.

NM_001211.6(BUB1B):c.2597T>C (p.Leu866Pro)

Gene: BUB1B (BUB1 mitotic checkpoint serine/threonine kinase B; plus strand). Cytogenetic location: 15q15.1.
Variant type: single nucleotide variant.
Coding change: c.2597T>C on transcript NM_001211.6 (MANE Select); coding-DNA position 2597, T replaced by C.
Protein change: p.Leu866Pro; replaces leucine 866 with proline.
Molecular consequence: missense variant.
Genome position (GRCh38, 1-based): chr15:40,213,393, T>C. VCF-style: chr15-40213393-T-C. GRCh37 (hg19) VCF-style: chr15-40505594-T-C.
Other names: short protein forms L866P.
Identifiers: ClinVar variation 3826101 (VCV003826101.1).